The following is an entry in ClinVar:

ClinVar aggregate classification (germline): Likely pathogenic (1 of 4 stars; one submission).

Conditions:
Congenital myasthenic syndrome 8. Also called: Myasthenic syndrome, congenital, 8, with pre- and postsynaptic defects; MYASTHENIC SYNDROME, CONGENITAL, DUE TO AGRIN DEFICIENCY. Identifiers: Orphanet 590, MedGen C3808739, MONDO:0014052, OMIM 615120.

Allele frequency attached by ClinVar (database versions not stated): TOPMed below 0.00001; ExAC 0.00001; gnomAD 0.00001; gnomAD exomes 0.00001.
gnomAD v4.1: 7 of 1,611,668 alleles (0.00043%); highest among the groups gnomAD compares: Middle Eastern, 0.033%; no homozygotes.

Submission:

Labcorp Genetics (formerly Invitae), Labcorp
Classification: Likely pathogenic for Congenital myasthenic syndrome 8. Last evaluated: 2023-03-23. Review status: criteria provided, single submitter. Criteria: Invitae Variant Classification Sherloc (09022015). Collection method: clinical testing. Allele origin: germline.
Comment: In summary, the currently available evidence indicates that the variant is pathogenic, but additional data are needed to prove that conclusively. Therefore, this variant has been classified as Likely Pathogenic. Algorithms developed to predict the effect of sequence changes on RNA splicing suggest that this variant may disrupt the consensus splice site. ClinVar contains an entry for this variant (Variation ID: 2161460). This variant has not been reported in the literature in individuals affected with AGRN-related conditions. This variant is present in population databases (rs753588255, gnomAD 0.001%). This sequence change affects a donor splice site in intron 13 of the AGRN gene. It is expected to disrupt RNA splicing. Variants that disrupt the donor or acceptor splice site typically lead to a loss of protein function (PMID: 16199547), and loss-of-function variants in AGRN are known to be pathogenic (PMID: 24951643).

Literature cited by the submitters: PubMed 16199547; PubMed 24951643.

NM_198576.4(AGRN):c.2371+1G>T

Gene: AGRN (agrin; plus strand). Cytogenetic location: 1p36.33.
Variant type: single nucleotide variant.
Coding change: c.2371+1G>T on transcript NM_198576.4 (MANE Select); the canonical splice donor site of the intron after coding-DNA position 2371, G replaced by T.
Molecular consequence: splice donor variant.
Genome position (GRCh38, 1-based): chr1:1,045,278, G>T. VCF-style: chr1-1045278-G-T. GRCh37 (hg19) VCF-style: chr1-980658-G-T.
Other names: c.2371+1G>T (NM_001305275.2); c.2056+1G>T (NM_001364727.2).
Identifiers: ClinVar variation 2161460 (VCV002161460.3), dbSNP rs753588255, ClinGen allele CA508590.
Genomic context (GRCh38, chr1:1,045,278, plus strand): 5'-ACGGCTGCTGCCAGGACAATATCACCGCAGCCCGGGGCGTGGGCCTGGCTGGCTGCCCCA[G>T]TGAGTACCTGAGCTCAGCCCCGACCCCGGGCCTGGTGCGGCTGTGCGGCCACGTGACCTT-3'